The following is an entry in ClinVar:

ClinVar aggregate classification (germline): Uncertain significance (1 of 4 stars; one submission).

Allele frequency attached by ClinVar (database versions not stated): ExAC 0.00009.
gnomAD v4.1: 39 of 699,626 alleles (0.0056%); highest among the groups gnomAD compares: African/African-American, 0.028%; no homozygotes.

Submission:

Labcorp Genetics (formerly Invitae), Labcorp
Classification: Uncertain significance. Last evaluated: 2022-02-10. Review status: criteria provided, single submitter. Criteria: Invitae Variant Classification Sherloc (09022015). Collection method: clinical testing. Allele origin: germline.
Comment: This variant occurs in the RNU4ATAC gene, which encodes an RNA molecule that does not result in a protein product. This variant is present in population databases (rs772360964, gnomAD 0.03%). This variant has not been reported in the literature in individuals affected with RNU4ATAC-related conditions. Experimental studies and prediction algorithms are not available or were not evaluated, and the functional significance of this variant is currently unknown. In summary, the available evidence is currently insufficient to determine the role of this variant in disease. Therefore, it has been classified as a Variant of Uncertain Significance.

NC_000002.12:g.121530918G>A

Genes: RNU4ATAC (RNA, U4atac small nuclear; plus strand), CLASP1 (cytoplasmic linker associated protein 1; minus strand), CLASP1-AS1 (CLASP1 antisense RNA 1; plus strand). Cytogenetic location: 2q14.2.
Variant type: single nucleotide variant.
Molecular consequence: intron variant (on NM_001395891.1).
Genome position: GRCh38 VCF-style: chr2-121530918-G-A. GRCh37 (hg19) VCF-style: chr2-122288494-G-A.
Other names: c.196-593C>T (NM_001142274.2, NM_015282.3, NM_001378003.1 and 5 more transcripts).
Identifiers: ClinVar variation 1476748 (VCV001476748.3), dbSNP rs772360964, ClinGen allele CA1854693.
Genomic context (GRCh38, chr2:121,530,918, plus strand): 5'-CAGCCCAGGGACTTTCTATTATAACCATCCTTTTCTTGGGGTTGCGCTACTGTCCAATGA[G>A]CGCATAGTGAGGGCAGTACTGCTAACGCCTGAACAACACACCCGCATCAACTAGAGCTTT-3'